The following is an entry in ClinVar:

ClinVar aggregate classification (germline): Benign. Review status: criteria provided, single submitter (1 of 4 stars). 2 submissions from 2 submitters: Benign (1). 1 of the submissions does not count toward it. Last evaluated 2026-09-01.

Conditions:
KCNQ1-related disorder. Also called: KCNQ1-related disorders; KCNQ1-related condition. Identifiers: MedGen CN239322.

Submissions (2):

CeGaT Center for Human Genetics Tuebingen
Classification: Benign. Last evaluated: 2026-09-01. Review status: criteria provided, single submitter. Criteria: CeGaT Center For Human Genetics Tuebingen Variant Classification Criteria Version 2. Collection method: clinical testing. Allele origin: germline. Affected: yes. Observed: 16 variant alleles.
Comment: KCNQ1OT1: BS1, BS2

PreventionGenetics, part of Exact Sciences
Classification: Likely benign for KCNQ1-related condition. Last evaluated: 2022-01-31. Review status: no assertion criteria provided. Collection method: clinical testing. Allele origin: germline. Not counted in ClinVar's aggregate classification.
Comment: This variant is classified as likely benign based on ACMG/AMP sequence variant interpretation guidelines (Richards et al. 2015 PMID: 25741868, with internal and published modifications).

NM_000218.3(KCNQ1):c.1394-1573del

Genes: KCNQ1 (potassium voltage-gated channel subfamily Q member 1; plus strand), KCNQ1OT1 (KCNQ1 opposite strand/antisense transcript 1; minus strand). Cytogenetic location: 11p15.5.
Variant type: Deletion.
Coding change: c.1394-1573del on transcript NM_000218.3 (MANE Select); 1573 bases into the intron before coding-DNA position 1394, one base deleted (C; older notation c.1394-1573delC).
Molecular consequence: intron variant.
Genome position (GRCh38, 1-based): chr11:2,660,388, C deleted; the last of 2 consecutive C bases (chr11:2,660,387-2,660,388); deleting either gives the same sequence. VCF-style (leftmost placement, unchanged base first): chr11-2660386-TC-T. GRCh37 (hg19) VCF-style: chr11-2681616-TC-T.
Other names: c.1394-1573delC (NM_000218.2); c.1124-1573del (NM_001406837.1); c.1298-1573del (NM_001406836.1); c.854-1573del (NM_001406838.1); c.1013-1573del (NM_181798.2).
Identifiers: ClinVar variation 1694608 (VCV001694608.32), dbSNP rs769229810, ClinGen allele CA216169359.